The following is an entry in ClinVar:

ClinVar aggregate classification (germline): Conflicting classifications of pathogenicity. Review status: criteria provided, conflicting classifications (1 of 4 stars). 2 submissions from 2 submitters: Uncertain significance (1); Likely benign (1). Last evaluated 2024-10-29.

Conditions:
Emery-Dreifuss muscular dystrophy 4, autosomal dominant (EDMD4). Also called: EMERY-DREIFUSS MUSCULAR DYSTROPHY 4 WITH VARIABLE FEATURES. Identifiers: Orphanet 261, MedGen C2751807, MONDO:0013071, OMIM 612998.
Autosomal recessive ataxia, Beauce type. Also called: SYNE1 Deficiency; Spinocerebellar ataxia, autosomal recessive 8; ATAXIA, RECESSIVE, OF BEAUCE; SYNE1-Related Autosomal Recessive Cerebellar Ataxia. Identifiers: Orphanet 88644, MedGen C1853116, MONDO:0012549, OMIM 610743.

Allele frequency attached by ClinVar (database versions not stated): ExAC 0.00002.
gnomAD v4.1: 11 of 1,614,094 alleles (0.00068%); highest among the groups gnomAD compares: Admixed American, 0.005%; no homozygotes.

Submissions (2):

Labcorp Genetics (formerly Invitae), Labcorp
Classification: Uncertain significance for Emery-Dreifuss muscular dystrophy 4, autosomal dominant; Autosomal recessive ataxia, Beauce type. Last evaluated: 2024-10-29. Review status: criteria provided, single submitter. Criteria: Invitae Variant Classification Sherloc (09022015). Collection method: clinical testing. Allele origin: germline.
Comment: This sequence change replaces methionine, which is neutral and non-polar, with leucine, which is neutral and non-polar, at codon 4328 of the SYNE1 protein (p.Met4328Leu). This variant is present in population databases (rs766885168, gnomAD 0.003%). This variant has not been reported in the literature in individuals affected with SYNE1-related conditions. ClinVar contains an entry for this variant (Variation ID: 1955125). An algorithm developed to predict the effect of missense changes on protein structure and function outputs the following: PolyPhen-2: "Benign". The leucine amino acid residue is found in multiple mammalian species, which suggests that this missense change does not adversely affect protein function. In summary, the available evidence is currently insufficient to determine the role of this variant in disease. Therefore, it has been classified as a Variant of Uncertain Significance.

CeGaT Center for Human Genetics Tuebingen
Classification: Likely benign. Last evaluated: 2023-03-01. Review status: criteria provided, single submitter. Criteria: CeGaT Center For Human Genetics Tuebingen Variant Classification Criteria Version 2. Collection method: clinical testing. Allele origin: germline. Affected: yes. Observed: 1 variant allele.
Comment: SYNE1: BP4

NM_182961.4(SYNE1):c.13195A>T (p.Met4399Leu)

Gene: SYNE1 (spectrin repeat containing nuclear envelope protein 1; minus strand). Cytogenetic location: 6q25.2.
Variant type: single nucleotide variant.
Coding change: c.13195A>T on transcript NM_182961.4 (MANE Select); coding-DNA position 13195, A replaced by T.
Protein change: p.Met4399Leu; replaces methionine 4399 with leucine.
Molecular consequence: missense variant.
Genome position (GRCh38, 1-based): chr6:152,331,490, T>A on the plus strand (A>T on the coding strand, the complement: SYNE1 is on the minus strand). VCF-style: chr6-152331490-T-A. GRCh37 (hg19) VCF-style: chr6-152652625-T-A.
Other names: c.12982A>T, p.Met4328Leu (NM_033071.5); short protein forms M4328L, M4399L.
Identifiers: ClinVar variation 1955125 (VCV001955125.29), dbSNP rs766885168, ClinGen allele CA4056226.